The following is an entry in ClinVar:

ClinVar aggregate classification (germline): Uncertain significance (1 of 4 stars; one submission).

Submission:

Dasa
Classification: Uncertain significance. Last evaluated: 2025-09-20. Review status: criteria provided, single submitter. Criteria: DASA Assertion Criteria. Collection method: clinical testing. Allele origin: germline.
Comment: NM_003011.4(SET):c.348A>T (p.Glu116Asp) is a missense variant that results in the substitution of glutamic acid with aspartic acid. This variant is absent from population databases. The currently available literature and clinical evidence are not sufficient to establish a definitive association between this variant and the reported condition. Therefore, this variant is classified as a variant of uncertain significance.

NM_003011.4(SET):c.348A>T (p.Glu116Asp)

Gene: SET (SET nuclear proto-oncogene; plus strand). Cytogenetic location: 9q34.11.
Variant type: single nucleotide variant.
Coding change: c.348A>T on transcript NM_003011.4 (MANE Select); coding-DNA position 348, A replaced by T.
Protein change: p.Glu116Asp; replaces glutamic acid 116 with aspartic acid.
Molecular consequence: missense variant.
Genome position (GRCh38, 1-based): chr9:128,692,735, A>T. VCF-style: chr9-128692735-A-T. GRCh37 (hg19) VCF-style: chr9-131455014-A-T.
Other names: c.387A>T, p.Glu129Asp (NM_001122821.2, NM_001374326.1); c.321A>T, p.Glu107Asp (NM_001248000.2); c.315A>T, p.Glu105Asp (NM_001248001.2); short protein forms E105D, E107D, E116D, E129D.
Identifiers: ClinVar variation 4885136 (VCV004885136.2).
Genomic context (GRCh38, chr9:128,692,735, plus strand): 5'-TGGGGAGGAAGATGAAGAGGCACTGCATTATTTGACCAGAGTTGAAGTGACAGAATTTGA[A>T]GATATTAAATCAGGTTACAGAATAGATTTTGTAAGTATCTCTAACTTAATCTTGTTTGCC-3'
Protein context (NP_003002.2, residues 106-126): YLTRVEVTEF[Glu116Asp]DIKSGYRIDF